The following is an entry in ClinVar:

NM_000211.5(ITGB2):c.1382G>T (p.Gly461Val)

Gene: ITGB2 (integrin subunit beta 2; minus strand). Cytogenetic location: 21q22.3.
Variant type: single nucleotide variant.
Coding change: c.1382G>T on transcript NM_000211.5 (MANE Select); coding-DNA position 1382, G replaced by T.
Protein change: p.Gly461Val; replaces glycine 461 with valine.
Molecular consequence: missense variant.
Genome position (GRCh38, 1-based): chr21:44,891,839, C>A on the plus strand (G>T on the coding strand, the complement: ITGB2 is on the minus strand). VCF-style: chr21-44891839-C-A. GRCh37 (hg19) VCF-style: chr21-46311754-C-A.
Other names: c.1382G>T, p.Gly461Val (NM_001127491.3); c.1175G>T, p.Gly392Val (NM_001303238.2); short protein forms G392V, G461V.
Identifiers: ClinVar variation 3678960 (VCV003678960.2).

ClinVar aggregate classification (germline): Uncertain significance (1 of 4 stars; one submission).

Conditions:
Leukocyte adhesion deficiency 1 (LAD1). Also called: LAD 1; Lymphocyte function-associated antigen 1 immunodeficiency; LFA 1 immunodeficiency; LEUKOCYTE ADHESION DEFICIENCY, TYPE I. Identifiers: Orphanet 2968, Orphanet 99842, MedGen C0398738, MONDO:0007293, OMIM 116920.

gnomAD v4.1: 12 of 1,609,606 alleles (0.00075%); highest among the groups gnomAD compares: Non-Finnish European, 0.001%; no homozygotes.

Submission:

Labcorp Genetics (formerly Invitae), Labcorp
Classification: Uncertain significance for Leukocyte adhesion deficiency 1. Last evaluated: 2024-06-08. Review status: criteria provided, single submitter. Criteria: Invitae Variant Classification Sherloc (09022015). Collection method: clinical testing. Allele origin: germline.
Comment: This sequence change replaces glycine, which is neutral and non-polar, with valine, which is neutral and non-polar, at codon 461 of the ITGB2 protein (p.Gly461Val). The frequency data for this variant in the population databases is considered unreliable, as metrics indicate poor data quality at this position in the gnomAD database. This variant has not been reported in the literature in individuals affected with ITGB2-related conditions. Advanced modeling of protein sequence and biophysical properties (such as structural, functional, and spatial information, amino acid conservation, physicochemical variation, residue mobility, and thermodynamic stability) has been performed at Invitae for this missense variant, however the output from this modeling did not meet the statistical confidence thresholds required to predict the impact of this variant on ITGB2 protein function. In summary, the available evidence is currently insufficient to determine the role of this variant in disease. Therefore, it has been classified as a Variant of Uncertain Significance.